The following is an entry in ClinVar:

ClinVar aggregate classification (germline): Likely pathogenic (1 of 4 stars; one submission).

Conditions:
Arrhythmogenic right ventricular dysplasia 11. Also called: ARRHYTHMOGENIC RIGHT VENTRICULAR DYSPLASIA, FAMILIAL, 11; Arrhythmogenic Right Ventricular Dysplasia/Cardiomyopathy11; Arrhythmogenic right ventricular dysplasia 11 with mild palmoplantar keratoderma and woolly hair. Identifiers: MedGen C1864850, MONDO:0012506, OMIM 610476.

Submission:

Molecular Genetics Laboratory, Motol Hospital
Classification: Likely pathogenic for Arrhythmogenic right ventricular dysplasia 11. Last evaluated: 2026-05-14. Review status: criteria provided, single submitter. Criteria: ACMG Guidelines, 2015. Collection method: clinical testing. Allele origin: germline. Inheritance: Autosomal recessive inheritance. Affected: yes. Observed: 1 variant allele, 1 compound heterozygote.
Comment: A rare variant not present in non-FInnish European population (gnomAD v4.1.1) (PM2). Rare variants in the DSC2 gene are associated with autosomal dominant or autosomal recessive arrhythmogenic right ventricular dysplasia-11 (ARVD11) (PVS1). Based on the clinical information about family history and segregational data we suggest autosomal recessive inheritance. The truncating variant c.923C>A is classified as likely pathogenic.

Literature cited by the submitters: PubMed 33784018; PubMed 40123482.

NM_024422.6(DSC2):c.923C>A (p.Ser308Ter)

Gene: DSC2 (desmocollin 2; minus strand). Cytogenetic location: 18q12.1.
Variant type: single nucleotide variant.
Coding change: c.923C>A on transcript NM_024422.6 (MANE Select); coding-DNA position 923, C replaced by A.
Protein change: p.Ser308Ter; replaces serine 308 with a stop codon.
Molecular consequence: nonsense.
Genome position (GRCh38, 1-based): chr18:31,086,595, G>T on the plus strand (C>A on the coding strand, the complement: DSC2 is on the minus strand). VCF-style: chr18-31086595-G-T. GRCh37 (hg19) VCF-style: chr18-28666558-G-T.
Other names: c.494C>A, p.Ser165Ter (NM_001406506.1, NM_001406507.1); c.923C>A, p.Ser308Ter (NM_004949.5); short protein forms S165*, S308*.
Identifiers: ClinVar variation 4851274 (VCV004851274.1).